The following is an entry in ClinVar:

ClinVar aggregate classification (germline): Uncertain significance (1 of 4 stars; one submission).

Conditions:
Age related macular degeneration 4. Identifiers: MedGen C1853147, MONDO:0012540, OMIM 610698.

gnomAD v4.1: 8 of 1,612,038 alleles (0.0005%); highest among the groups gnomAD compares: East Asian, 0.0089%; no homozygotes.

Submission:

Genomenon, Inc
Classification: Uncertain significance for Age related macular degeneration 4. Last evaluated: 2026-09-17. Review status: criteria provided, single submitter. Criteria: Genomenon Sequence Variant Interpretation Standards - Updated. Collection method: curation. Allele origin: germline. Affected: yes.
Comment: CFH p.Pro668Leu (c.2003C>T) is a missense variant that changes the amino acid at codon 668 from proline to leucine. This variant has been observed in at least one proband affected with age-related macular degeneration (PMID: 29888403). It is absent or not present at a significant frequency in gnomAD. In silico models predict that this variant is not damaging. In conclusion, we classify CFH p.Pro668Leu (c.2003C>T) as a variant of uncertain significance.

Literature cited by the submitters: PubMed 29888403.

NM_000186.4(CFH):c.2003C>T (p.Pro668Leu)

Gene: CFH (complement factor H; plus strand). Cytogenetic location: 1q31.3.
Variant type: single nucleotide variant.
Coding change: c.2003C>T on transcript NM_000186.4 (MANE Select); coding-DNA position 2003, C replaced by T.
Protein change: p.Pro668Leu; replaces proline 668 with leucine.
Molecular consequence: missense variant.
Genome position (GRCh38, 1-based): chr1:196,726,599, C>T. VCF-style: chr1-196726599-C-T. GRCh37 (hg19) VCF-style: chr1-196695729-C-T.
Other names: short protein forms P668L.
Identifiers: ClinVar variation 4291439 (VCV004291439.2).